The following is an entry in ClinVar:

NM_003872.3(NRP2):c.92G>A (p.Arg31His)

Gene: NRP2 (neuropilin 2; plus strand). Cytogenetic location: 2q33.3.
Variant type: single nucleotide variant.
Coding change: c.92G>A on transcript NM_003872.3 (MANE Select); coding-DNA position 92, G replaced by A.
Protein change: p.Arg31His; replaces arginine 31 with histidine.
Molecular consequence: missense variant.
Genome position (GRCh38, 1-based): chr2:205,697,562, G>A. VCF-style: chr2-205697562-G-A. GRCh37 (hg19) VCF-style: chr2-206562286-G-A.
Other names: c.92G>A, p.Arg31His (NM_018534.4, NM_201264.2, NM_201266.2 and 2 more transcripts); short protein forms R31H.
Identifiers: ClinVar variation 3202202 (VCV003202202.2), dbSNP rs752149340, ClinGen allele CA2068692.
Genomic context (GRCh38, chr2:205,697,562, plus strand): 5'-TAACATATTTGAAGTTCTTTGGGTCGTTGATTTCTCTTTCAGACCCACCGTGCGGAGGTC[G>A]TTTGAATTCCAAAGATGCTGGCTATATCACCTCTCCCGGTTACCCCCAGGACTACCCCTC-3'
Protein context (NP_003863.2, residues 21-41): RGQPDPPCGG[Arg31His]LNSKDAGYIT

ClinVar aggregate classification (germline): Uncertain significance. Review status: criteria provided, single submitter (1 of 4 stars). 2 submissions from 2 submitters: Uncertain significance (1). 1 of the submissions does not count toward it. Last evaluated 2023-12-13.

Conditions:
NRP2-related disorder. Also called: NRP2-related condition.

Allele frequency attached by ClinVar (database versions not stated): gnomAD exomes 0.00001; ExAC 0.00002.
gnomAD v4.1: 13 of 1,613,968 alleles (0.00081%); highest among the groups gnomAD compares: South Asian, 0.0033%; no homozygotes.

Submissions (2):

Ambry Genetics
Classification: Uncertain significance. Last evaluated: 2023-12-13. Review status: criteria provided, single submitter. Criteria: Ambry Variant Classification Scheme 2023. Collection method: clinical testing. Allele origin: germline.

PreventionGenetics, part of Exact Sciences
Classification: Uncertain significance for NRP2-related condition. Last evaluated: 2024-01-23. Review status: no assertion criteria provided. Collection method: clinical testing. Allele origin: germline. Not counted in ClinVar's aggregate classification.
Comment: The NRP2 c.92G>A variant is predicted to result in the amino acid substitution p.Arg31His. To our knowledge, this variant has not been reported in the literature. This variant is reported in 0.0046% of alleles in individuals of European (Finnish) descent in gnomAD. At this time, the clinical significance of this variant is uncertain due to the absence of conclusive functional and genetic evidence.